The following is an entry in ClinVar:

NM_000718.4(CACNA1B):c.1693G>T (p.Ala565Ser)

Gene: CACNA1B (calcium voltage-gated channel subunit alpha1 B; plus strand). Cytogenetic location: 9q34.3.
Variant type: single nucleotide variant.
Coding change: c.1693G>T on transcript NM_000718.4 (MANE Select); coding-DNA position 1693, G replaced by T.
Protein change: p.Ala565Ser; replaces alanine 565 with serine.
Molecular consequence: missense variant.
Genome position (GRCh38, 1-based): chr9:137,984,174, G>T. VCF-style: chr9-137984174-G-T. GRCh37 (hg19) VCF-style: chr9-140878626-G-T.
Other names: c.1693G>T, p.Ala565Ser (NM_001243812.2); short protein forms A565S.
Identifiers: ClinVar variation 3257549 (VCV003257549.17).

ClinVar aggregate classification (germline): Uncertain significance (1 of 4 stars; one submission).

gnomAD v4.1: 4 of 1,603,586 alleles (0.00025%); highest among the groups gnomAD compares: South Asian, 0.0045%; no homozygotes.

Submission:

CeGaT Center for Human Genetics Tuebingen
Classification: Uncertain significance. Last evaluated: 2024-07-01. Review status: criteria provided, single submitter. Criteria: CeGaT Center For Human Genetics Tuebingen Variant Classification Criteria Version 2. Collection method: clinical testing. Allele origin: germline. Affected: yes. Observed: 1 variant allele.
Comment: CACNA1B: PM2